The following is an entry in ClinVar:

NM_015895.5(GMNN):c.16A>T (p.Lys6Ter)

Gene: GMNN (geminin DNA replication inhibitor; plus strand). Cytogenetic location: 6p22.3.
Variant type: single nucleotide variant.
Coding change: c.16A>T on transcript NM_015895.5 (MANE Select); coding-DNA position 16, A replaced by T.
Protein change: p.Lys6Ter; replaces lysine 6 with a stop codon.
Molecular consequence: nonsense.
Genome position (GRCh38, 1-based): chr6:24,777,262, A>T. VCF-style: chr6-24777262-A-T. GRCh37 (hg19) VCF-style: chr6-24777490-A-T.
Other names: c.16A>T, p.Lys6Ter (NM_001251989.2, NM_001251990.2, NM_001251991.1); short protein forms K6*.
Identifiers: ClinVar variation 203999 (VCV000203999.4), dbSNP rs864309486, ClinGen allele CA250418.

ClinVar aggregate classification (germline): Pathogenic. Review status: criteria provided, single submitter (1 of 4 stars). 2 submissions from 2 submitters: Pathogenic (1). 1 of the submissions does not count toward it. Last evaluated 2015-06-17.

Conditions:
Meier-Gorlin syndrome 6. Identifiers: Orphanet 2554, MedGen C4225188, MONDO:0014794, OMIM 616835. Disease mechanism: gain of function.
Meier-Gorlin syndrome (MGORS1). Identifiers: Orphanet 2554, MedGen C1868684, MONDO:0016817. Disease mechanism: gain of function.

Submissions (2):

Baylor Genetics
Classification: Pathogenic for Meier-Gorlin syndrome. Last evaluated: 2015-06-17. Review status: criteria provided, single submitter. Criteria: Submitter's publication. Collection method: clinical testing. Allele origin: de novo. Inheritance: Autosomal dominant inheritance. Affected: yes. Observed: 1 variant allele, 1 heterozygote. Study: GMNN.

OMIM
Classification: Pathogenic for MEIER-GORLIN SYNDROME 6. Last evaluated: 2015-12-03. Review status: no assertion criteria provided. Collection method: literature only. Allele origin: germline. Not counted in ClinVar's aggregate classification.

Literature cited by the submitters: PubMed 26637980 (cited by OMIM).